The following is an entry in ClinVar:

ClinVar aggregate classification (germline): Benign. Review status: criteria provided, multiple submitters, no conflicts (2 of 4 stars). 2 submissions from 2 submitters: Benign (2). Last evaluated 2016-03-29.

Allele frequency attached by ClinVar (database versions not stated): gnomAD exomes 0.24681; TOPMed 0.28717; gnomAD 0.28883 and 0.29127; 1000 Genomes Project 30x 0.30762; ExAC 0.38774; 1000 Genomes Project 0.40994.
gnomAD v4.1: 378,039 of 1,505,846 alleles (25%); highest among the groups gnomAD compares: African/African-American, 40%; 56,208 homozygotes.

Submissions (2):

Laboratory for Molecular Medicine, Mass General Brigham Personalized Medicine
Classification: Benign. Last evaluated: 2016-03-29. Review status: criteria provided, single submitter. Criteria: LMM Criteria. Collection method: clinical testing. Allele origin: germline.
Comment: Variant identified in a genome or exome case(s) and assessed due to predicted null impact of the variant or pathogenic assertions in the literature or databases. Disclaimer: This variant has not undergone full assessment. The following are preliminary notes: Frequency

Breakthrough Genomics
Classification: Benign. Review status: criteria provided, single submitter. Criteria: ACMG Guidelines, 2015. Collection method: not provided. Allele origin: germline. Inheritance: Unknown mechanism. Affected: yes.

NM_023014.1(PRAMEF2):c.1123T>C (p.Cys375Arg)

Gene: PRAMEF2 (PRAME family member 2; plus strand). Cytogenetic location: 1p36.21.
Variant type: single nucleotide variant.
Coding change: c.1123T>C on transcript NM_023014.1 (MANE Select); coding-DNA position 1123, T replaced by C.
Protein change: p.Cys375Arg; replaces cysteine 375 with arginine.
Molecular consequence: missense variant.
Genome position (GRCh38, 1-based): chr1:12,861,477, T>C. VCF-style: chr1-12861477-T-C. GRCh37 (hg19) VCF-style: chr1-12921332-T-C.
Other names: short protein forms C375R.
Identifiers: ClinVar variation 403340 (VCV000403340.5), dbSNP rs1063796, ClinGen allele CA608298.